The following is an entry in ClinVar:

NM_002691.4(POLD1):c.718A>G (p.Ser240Gly)

Gene: POLD1 (DNA polymerase delta 1, catalytic subunit; plus strand). Cytogenetic location: 19q13.33.
Variant type: single nucleotide variant.
Coding change: c.718A>G on transcript NM_002691.4 (MANE Select); coding-DNA position 718, A replaced by G.
Protein change: p.Ser240Gly; replaces serine 240 with glycine.
Molecular consequence: missense variant. On other transcripts: non-coding transcript variant (1).
Genome position (GRCh38, 1-based): chr19:50,402,333, A>G. VCF-style: chr19-50402333-A-G. GRCh37 (hg19) VCF-style: chr19-50905590-A-G.
Other names: c.718A>G, p.Ser240Gly (NM_001256849.1, NM_001308632.1); c.718A>G (NM_002691.2); short protein forms S240G.
Identifiers: ClinVar variation 1016315 (VCV001016315.10), dbSNP rs2038680003, ClinGen allele CA406974489.

ClinVar aggregate classification (germline): Uncertain significance. Review status: criteria provided, multiple submitters, no conflicts (2 of 4 stars). 2 submissions from 2 submitters: Uncertain significance (2). Last evaluated 2023-03-18.

Conditions:
Hereditary cancer-predisposing syndrome. Also called: Tumor predisposition; Hereditary Cancer Syndrome; Hereditary neoplastic syndrome; Neoplastic Syndromes, Hereditary. Identifiers: Orphanet 140162, MedGen C0027672, MeSH D009386, MONDO:0015356.
POLD1-related polyposis and colorectal cancer syndrome (CRCS10). Also called: Colorectal cancer 10; COLORECTAL CANCER, SUSCEPTIBILITY TO, ON CHROMOSOME 19q; Colorectal cancer, susceptibility to, 10. Identifiers: Orphanet 220460, MedGen C2675481, MONDO:0012953, OMIM 612591.

Allele frequency attached by ClinVar (database versions not stated): gnomAD exomes 0.00001.
gnomAD v4.1: 10 of 1,610,680 alleles (0.00062%); highest among the groups gnomAD compares: Non-Finnish European, 0.00085%; no homozygotes.

Submissions (2):

Ambry Genetics
Classification: Uncertain significance for Hereditary cancer-predisposing syndrome. Last evaluated: 2023-03-18. Review status: criteria provided, single submitter. Criteria: Ambry Variant Classification Scheme 2023. Collection method: clinical testing. Allele origin: germline.
Comment: The p.S240G variant (also known as c.718A>G), located in coding exon 5 of the POLD1 gene, results from an A to G substitution at nucleotide position 718. The serine at codon 240 is replaced by glycine, an amino acid with similar properties. This amino acid position is conserved. In addition, this alteration is predicted to be tolerated by in silico analysis. Since supporting evidence is limited at this time, the clinical significance of this alteration remains unclear.

Labcorp Genetics (formerly Invitae), Labcorp
Classification: Uncertain significance for POLD1-related polyposis and colorectal cancer syndrome. Last evaluated: 2020-06-09. Review status: criteria provided, single submitter. Criteria: Invitae Variant Classification Sherloc (09022015). Collection method: clinical testing. Allele origin: germline.
Comment: In summary, the available evidence is currently insufficient to determine the role of this variant in disease. Therefore, it has been classified as a Variant of Uncertain Significance. Algorithms developed to predict the effect of missense changes on protein structure and function (SIFT, PolyPhen-2, Align-GVGD) all suggest that this variant is likely to be tolerated, but these predictions have not been confirmed by published functional studies and their clinical significance is uncertain. This variant has not been reported in the literature in individuals with POLD1-related conditions. This variant is not present in population databases (ExAC no frequency). This sequence change replaces serine with glycine at codon 240 of the POLD1 protein (p.Ser240Gly). The serine residue is weakly conserved and there is a small physicochemical difference between serine and glycine.